The following is an entry in ClinVar:

NM_203447.4(DOCK8):c.1218A>G (p.Ile406Met)

Gene: DOCK8 (dedicator of cytokinesis 8; plus strand). Cytogenetic location: 9p24.3.
Variant type: single nucleotide variant.
Coding change: c.1218A>G on transcript NM_203447.4 (MANE Select); coding-DNA position 1218, A replaced by G.
Protein change: p.Ile406Met; replaces isoleucine 406 with methionine.
Molecular consequence: missense variant.
Genome position (GRCh38, 1-based): chr9:334,317, A>G. VCF-style: chr9-334317-A-G. GRCh37 (hg19) VCF-style: chr9-334317-A-G.
Other names: c.1014A>G, p.Ile338Met (NM_001190458.2, NM_001193536.2); short protein forms I338M, I406M.
Identifiers: ClinVar variation 864565 (VCV000864565.8), dbSNP rs769027084, ClinGen allele CA4957647.

ClinVar aggregate classification (germline): Uncertain significance. Review status: criteria provided, multiple submitters, no conflicts (2 of 4 stars). 2 submissions from 2 submitters: Uncertain significance (2). Last evaluated 2024-08-21.

Conditions:
Inborn genetic diseases. Identifiers: MedGen C0950123, MeSH D030342.
Combined immunodeficiency due to DOCK8 deficiency (HIES2). Also called: HYPER-IgE RECURRENT INFECTION SYNDROME 2, AUTOSOMAL RECESSIVE; DOCK8 Deficiency; HYPER-IgE SYNDROME 2, AUTOSOMAL RECESSIVE, WITH RECURRENT INFECTIONS; HIES autosomal recessive; Hyper-IgE recurrent infection syndrome, autosomal recessive. Identifiers: Orphanet 217390, MedGen C4722305, MONDO:0009478, OMIM 243700.

Allele frequency attached by ClinVar (database versions not stated): gnomAD 0.00002; TOPMed 0.00004; ExAC 0.00007; gnomAD exomes 0.00007.
gnomAD v4.1: 22 of 1,614,020 alleles (0.0014%); highest among the groups gnomAD compares: Admixed American, 0.033%; no homozygotes.

Submissions (2):

Ambry Genetics
Classification: Uncertain significance for Inborn genetic diseases. Last evaluated: 2024-08-21. Review status: criteria provided, single submitter. Criteria: Ambry Variant Classification Scheme 2023. Collection method: clinical testing. Allele origin: germline.

Labcorp Genetics (formerly Invitae), Labcorp
Classification: Uncertain significance for Combined immunodeficiency due to DOCK8 deficiency. Last evaluated: 2021-08-28. Review status: criteria provided, single submitter. Criteria: Invitae Variant Classification Sherloc (09022015). Collection method: clinical testing. Allele origin: germline.
Comment: This sequence change replaces isoleucine with methionine at codon 406 of the DOCK8 protein (p.Ile406Met). The isoleucine residue is highly conserved and there is a small physicochemical difference between isoleucine and methionine. This variant is present in population databases (rs769027084, ExAC 0.07%). This variant has not been reported in the literature in individuals affected with DOCK8-related conditions. Algorithms developed to predict the effect of missense changes on protein structure and function are either unavailable or do not agree on the potential impact of this missense change (SIFT: "Deleterious"; PolyPhen-2: "Possibly Damaging"; Align-GVGD: "Class C0"). In summary, the available evidence is currently insufficient to determine the role of this variant in disease. Therefore, it has been classified as a Variant of Uncertain Significance.